The following is an entry in ClinVar:

ClinVar aggregate classification (germline): Uncertain significance (1 of 4 stars; one submission).

Allele frequency attached by ClinVar (database versions not stated): TOPMed below 0.00001.

Submission:

Labcorp Genetics (formerly Invitae), Labcorp
Classification: Uncertain significance. Last evaluated: 2022-06-13. Review status: criteria provided, single submitter. Criteria: Invitae Variant Classification Sherloc (09022015). Collection method: clinical testing. Allele origin: germline.
Comment: In summary, the available evidence is currently insufficient to determine the role of this variant in disease. Therefore, it has been classified as a Variant of Uncertain Significance. Algorithms developed to predict the effect of missense changes on protein structure and function are either unavailable or do not agree on the potential impact of this missense change (SIFT: "Tolerated"; PolyPhen-2: "Probably Damaging"; Align-GVGD: "Class C0"). This variant has not been reported in the literature in individuals affected with DMXL2-related conditions. This variant is not present in population databases (gnomAD no frequency). This sequence change replaces asparagine, which is neutral and polar, with threonine, which is neutral and polar, at codon 2807 of the DMXL2 protein (p.Asn2807Thr).

NM_001378457.1(DMXL2):c.8483A>C (p.Asn2828Thr)

Gene: DMXL2 (Dmx like 2; minus strand). Cytogenetic location: 15q21.2.
Variant type: single nucleotide variant.
Coding change: c.8483A>C on transcript NM_001378457.1 (MANE Select); coding-DNA position 8483, A replaced by C.
Protein change: p.Asn2828Thr; replaces asparagine 2828 with threonine.
Molecular consequence: missense variant. On other transcripts: non-coding transcript variant (2).
Genome position (GRCh38, 1-based): chr15:51,456,109, T>G on the plus strand (A>C on the coding strand, the complement: DMXL2 is on the minus strand). VCF-style: chr15-51456109-T-G. GRCh37 (hg19) VCF-style: chr15-51748306-T-G.
Other names: c.8420A>C, p.Asn2807Thr (NM_001174116.3); c.6509A>C, p.Asn2170Thr (NM_001174117.3); c.8480A>C, p.Asn2827Thr (NM_001378458.1); c.8195A>C, p.Asn2732Thr (NM_001378459.1); c.6398A>C, p.Asn2133Thr (NM_001378460.1); c.8417A>C, p.Asn2806Thr (NM_015263.5); short protein forms N2828T, N2807T, N2827T, N2170T, N2806T, N2133T, N2732T.
Identifiers: ClinVar variation 1958282 (VCV001958282.5), dbSNP rs1157255979, ClinGen allele CA392433732.